The following is an entry in ClinVar:

NM_001371986.1(UNC80):c.5519C>T (p.Pro1840Leu)

Gene: UNC80 (unc-80 subunit of NALCN channel complex; plus strand). Cytogenetic location: 2q34.
Variant type: single nucleotide variant.
Coding change: c.5519C>T on transcript NM_001371986.1 (MANE Select); coding-DNA position 5519, C replaced by T.
Protein change: p.Pro1840Leu; replaces proline 1840 with leucine.
Molecular consequence: missense variant.
Genome position (GRCh38, 1-based): chr2:209,921,675, C>T. VCF-style: chr2-209921675-C-T. GRCh37 (hg19) VCF-style: chr2-210786399-C-T.
Other names: c.5321C>T, p.Pro1774Leu (NM_032504.2); c.5306C>T, p.Pro1769Leu (NM_182587.4); c.5321C>T (NM_032504.1); short protein forms P1774L, P1769L, P1840L.
Identifiers: ClinVar variation 1348741 (VCV001348741.6), dbSNP rs1029859784, ClinGen allele CA65040565.

ClinVar aggregate classification (germline): Uncertain significance. Review status: criteria provided, multiple submitters, no conflicts (2 of 4 stars). 2 submissions from 2 submitters: Uncertain significance (2). Last evaluated 2025-04-01.

Conditions:
Inborn genetic diseases. Identifiers: MedGen C0950123, MeSH D030342.

Allele frequency attached by ClinVar (database versions not stated): gnomAD exomes 0.00001; TOPMed 0.00002; gnomAD 0.00001.
gnomAD v4.1: 24 of 1,549,776 alleles (0.0015%); highest among the groups gnomAD compares: Admixed American, 0.002%; no homozygotes.

Submissions (2):

Ambry Genetics
Classification: Uncertain significance for Inborn genetic diseases. Last evaluated: 2025-04-01. Review status: criteria provided, single submitter. Criteria: Ambry Variant Classification Scheme 2023. Collection method: clinical testing. Allele origin: germline.

Labcorp Genetics (formerly Invitae), Labcorp
Classification: Uncertain significance. Last evaluated: 2022-10-16. Review status: criteria provided, single submitter. Criteria: Invitae Variant Classification Sherloc (09022015). Collection method: clinical testing. Allele origin: germline.
Comment: This sequence change replaces proline, which is neutral and non-polar, with leucine, which is neutral and non-polar, at codon 1774 of the UNC80 protein (p.Pro1774Leu). This variant is present in population databases (no rsID available, gnomAD 0.01%). This variant has not been reported in the literature in individuals affected with UNC80-related conditions. ClinVar contains an entry for this variant (Variation ID: 1348741). Advanced modeling of protein sequence and biophysical properties (such as structural, functional, and spatial information, amino acid conservation, physicochemical variation, residue mobility, and thermodynamic stability) performed at Invitae indicates that this missense variant is not expected to disrupt UNC80 protein function. In summary, the available evidence is currently insufficient to determine the role of this variant in disease. Therefore, it has been classified as a Variant of Uncertain Significance.